The following is an entry in ClinVar:

ClinVar aggregate classification (germline): Uncertain significance (1 of 4 stars; one submission).

Submission:

Labcorp Genetics (formerly Invitae), Labcorp
Classification: Uncertain significance. Last evaluated: 2022-09-15. Review status: criteria provided, single submitter. Criteria: Invitae Variant Classification Sherloc (09022015). Collection method: clinical testing. Allele origin: germline.
Comment: Experimental studies and prediction algorithms are not available or were not evaluated, and the functional significance of this variant is currently unknown. In summary, the available evidence is currently insufficient to determine the role of this variant in disease. Therefore, it has been classified as a Variant of Uncertain Significance. ClinVar contains an entry for this variant (Variation ID: 1488575). This variant has not been reported in the literature in individuals affected with MYLK3-related conditions. This variant is not present in population databases (gnomAD no frequency). This variant, c.1267_1326del, results in the deletion of 20 amino acid(s) of the MYLK3 protein (p.Glu423_Ala442del), but otherwise preserves the integrity of the reading frame.

NM_182493.3(MYLK3):c.1267_1326del (p.Glu423_Ala442del)

Gene: MYLK3 (myosin light chain kinase 3; minus strand). Cytogenetic location: 16q11.2.
Variant type: Deletion.
Coding change: c.1267_1326del on transcript NM_182493.3 (MANE Select); coding-DNA positions 1267 to 1326, 60 bases deleted.
Protein change: p.Glu423_Ala442del.
Molecular consequence: inframe deletion.
Genome position (GRCh38, 1-based): chr16:46,732,344-46,732,403, 60 bases deleted. GRCh37 (hg19): chr16:46,766,263-46,766,322.
Other names: c.244_303del, p.Glu82_Ala101del (NM_001308301.1).
Identifiers: ClinVar variation 1488575 (VCV001488575.8), dbSNP rs2143015087, ClinGen allele CA2573152411.